The following is an entry in ClinVar:

ClinVar aggregate classification (germline): Likely pathogenic. Review status: criteria provided, single submitter (1 of 4 stars). 2 submissions from 2 submitters: Likely pathogenic (1). 1 of the submissions does not count toward it. Last evaluated 2024-08-11.

Conditions:
Tuberous sclerosis 2 (TSC2). Identifiers: Orphanet 805, MedGen C1860707, MONDO:0013199, OMIM 613254.
Tuberous sclerosis syndrome (TSC). Also called: Tuberous Sclerosis Complex; Tuberous sclerosis. Identifiers: Orphanet 805, MedGen C0041341, MONDO:0001734.

Submissions (2):

Labcorp Genetics (formerly Invitae), Labcorp
Classification: Likely pathogenic for Tuberous sclerosis 2. Last evaluated: 2024-08-11. Review status: criteria provided, single submitter. Criteria: Invitae Variant Classification Sherloc (09022015). Collection method: clinical testing. Allele origin: germline.
Comment: This sequence change replaces aspartic acid, which is acidic and polar, with asparagine, which is neutral and polar, at codon 1028 of the TSC2 protein (p.Asp1028Asn). This variant is not present in population databases (gnomAD no frequency). This variant has not been reported in the literature in individuals affected with TSC2-related conditions. ClinVar contains an entry for this variant (Variation ID: 49547). Advanced modeling of protein sequence and biophysical properties (such as structural, functional, and spatial information, amino acid conservation, physicochemical variation, residue mobility, and thermodynamic stability) performed at Invitae indicates that this missense variant is expected to disrupt TSC2 protein function with a positive predictive value of 95%. Experimental studies have shown that this missense change affects TSC2 function (PMID: 21309039). This variant disrupts the p.Asp1028 amino acid residue in TSC2. Other variant(s) that disrupt this residue have been determined to be pathogenic (Invitae). This suggests that this residue is clinically significant, and that variants that disrupt this residue are likely to be disease-causing. In summary, the currently available evidence indicates that the variant is pathogenic, but additional data are needed to prove that conclusively. Therefore, this variant has been classified as Likely Pathogenic.

Tuberous sclerosis database (TSC2)
No classification provided. Condition: TSC. Review status: no classification provided. Criteria: Tuberous Sclerosis Database Assertion Criteria 2015. Collection method: curation. Allele origin: germline. Affected: yes. Not counted in ClinVar's aggregate classification.

Literature cited by the submitters: PubMed 21309039 (cited by Labcorp Genetics (formerly Invitae), Labcorp).

NM_000548.5(TSC2):c.3082G>A (p.Asp1028Asn)

Gene: TSC2 (TSC complex subunit 2; plus strand). Cytogenetic location: 16p13.3.
Variant type: single nucleotide variant.
Coding change: c.3082G>A on transcript NM_000548.5 (MANE Select); coding-DNA position 3082, G replaced by A.
Protein change: p.Asp1028Asn; replaces aspartic acid 1028 with asparagine.
Molecular consequence: missense variant.
Genome position (GRCh38, 1-based): chr16:2,079,147, G>A. VCF-style: chr16-2079147-G-A. GRCh37 (hg19) VCF-style: chr16-2129148-G-A.
Other names: c.2950G>A, p.Asp984Asn (NM_001077183.3, NM_001370404.1); c.3082G>A, p.Asp1028Asn (NM_001114382.3); c.2842G>A, p.Asp948Asn (NM_001318827.2); c.2806G>A, p.Asp936Asn (NM_001318829.2); c.2350G>A, p.Asp784Asn (NM_001318831.2); c.2983G>A, p.Asp995Asn (NM_001318832.2); c.2953G>A, p.Asp985Asn (NM_001363528.2, NM_001370405.1, NM_021055.3); short protein forms D1028N, D984N, D995N, D936N, D784N, D948N, D985N.
Identifiers: ClinVar variation 49547 (VCV000049547.4), dbSNP rs45517280, ClinGen allele CA018473.